The following is an entry in ClinVar:

ClinVar aggregate classification (germline): Conflicting classifications of pathogenicity. Review status: criteria provided, conflicting classifications (1 of 4 stars). 5 submissions from 4 submitters: Uncertain significance (1); Likely benign (3). 1 of the submissions does not count toward it. Last evaluated 2025-07-27.

Conditions:
Charcot-Marie-Tooth disease type 2. Also called: Charcot-Marie-Tooth type 2. Identifiers: Orphanet 64746, MedGen C0270914, MONDO:0018993.

Allele frequency attached by ClinVar (database versions not stated): gnomAD 0.00002; TOPMed 0.00006.
gnomAD v4.1: 29 of 1,612,686 alleles (0.0018%); highest among the groups gnomAD compares: Admixed American, 0.043%; no homozygotes.

Submissions (5):

Labcorp Genetics (formerly Invitae), Labcorp
Classification: Likely benign for Charcot-Marie-Tooth disease type 2. Last evaluated: 2025-07-27. Review status: criteria provided, single submitter. Criteria: Invitae Variant Classification Sherloc (09022015). Collection method: clinical testing. Allele origin: germline.

Ambry Genetics
Classification: Likely benign. Last evaluated: 2024-08-20. Review status: criteria provided, single submitter. Criteria: Ambry Variant Classification Scheme 2023. Collection method: clinical testing. Allele origin: germline.

Revvity Omics, Revvity
Classification: Uncertain significance. Last evaluated: 2023-11-07. Review status: criteria provided, single submitter. Criteria: ACMG Guidelines, 2015. Collection method: clinical testing. Allele origin: germline.

GeneDx
Classification: Likely benign. Last evaluated: 2018-12-28. Review status: criteria provided, single submitter. Criteria: GeneDx Variant Classification Process June 2021. Collection method: clinical testing. Allele origin: germline. Affected: yes.

GeneDx
Classification: Uncertain significance. Last evaluated: 2016-11-11. Review status: flagged submission. Criteria: GeneDx Variant Classification (06012015). Collection method: clinical testing. Allele origin: germline. Affected: yes. Not counted in ClinVar's aggregate classification.
Comment: A variant of uncertain significance has been identified in the GARS gene. The Y518C variant has not been published as a pathogenic variant, nor has it been reported as a benign variant to our knowledge. It was not observed in approximately 6,100 individuals of European and African American ancestry in the NHLBI Exome Sequencing Project, indicating it is not a common benign variant in these populations. The Y518C variant is a non-conservative amino acid substitution, which is likely to impact secondary protein structure as these residues differ in polarity, charge, size, and/or other properties. This substitution alters a position that is conserved in mammals and is predicted to be within the catalytic domain of the protein (He et al., 2015). In silico analysis is inconsistent in its predictions as to whether or not the variant is damaging to the protein structure/function. Based on the currently available information, it is unclear whether this variant is a pathogenic variant or a rare benign variant.
ClinVar note: Reason: This record appears to be redundant with a more recent record from the same submitter.
ClinVar note: Notes: SCV000491865 appears to be redundant with SCV001772666.

NM_002047.4(GARS1):c.1553A>G (p.Tyr518Cys)

Gene: GARS1 (glycyl-tRNA synthetase 1; plus strand). Cytogenetic location: 7p14.3.
Variant type: single nucleotide variant.
Coding change: c.1553A>G on transcript NM_002047.4 (MANE Select); coding-DNA position 1553, A replaced by G.
Protein change: p.Tyr518Cys; replaces tyrosine 518 with cysteine.
Molecular consequence: missense variant.
Genome position (GRCh38, 1-based): chr7:30,622,402, A>G. VCF-style: chr7-30622402-A-G. GRCh37 (hg19) VCF-style: chr7-30662018-A-G.
Other names: c.1553A>G (LRG_243t1); c.1391A>G, p.Tyr464Cys (NM_001316772.1); short protein forms Y518C, Y464C.
Identifiers: ClinVar variation 373280 (VCV000373280.16), dbSNP rs753947676, ClinGen allele CA4205997.
Genomic context (GRCh38, chr7:30,622,402, plus strand): 5'-AACCCAGTAAGGGAGCAATTGGTAAGGCATATAAGAAGGATGCAAAACTGGTGATGGAGT[A>G]TCTTGCCATTTGTGATGAGTGCTACATTACAGAAATGGAGATGCTGCTGAATGAGAAAGG-3'
Protein context (NP_002038.2, residues 508-528): YKKDAKLVME[Tyr518Cys]LAICDECYIT